The following is an entry in ClinVar:

ClinVar aggregate classification (germline): Benign/Likely benign. Review status: criteria provided, multiple submitters, no conflicts (2 of 4 stars). 3 submissions from 3 submitters: Benign (1); Likely benign (2). Last evaluated 2026-06-14.

Conditions:
Renal hypomagnesemia 6. Identifiers: Orphanet 34527, MedGen C3151295, MONDO:0013480, OMIM 613882.

Allele frequency attached by ClinVar (database versions not stated): gnomAD 0.00004 and 0.00005; gnomAD exomes 0.00005; TOPMed 0.00005; ExAC 0.00006.
gnomAD v4.1: 67 of 1,609,378 alleles (0.0042%); highest among the groups gnomAD compares: Non-Finnish European, 0.0055%; no homozygotes.

Submissions (3):

Women's Health and Genetics/Laboratory Corporation of America, LabCorp
Classification: Likely benign. Last evaluated: 2026-06-14. Review status: criteria provided, single submitter. Criteria: LabCorp Variant Classification Summary - May 2015. Collection method: clinical testing. Allele origin: germline.

Labcorp Genetics (formerly Invitae), Labcorp
Classification: Likely benign. Last evaluated: 2025-02-24. Review status: criteria provided, single submitter. Criteria: Invitae Variant Classification Sherloc (09022015). Collection method: clinical testing. Allele origin: germline.

Illumina Laboratory Services, Illumina
Classification: Benign for Renal hypomagnesemia 6. Last evaluated: 2018-03-12. Review status: criteria provided, single submitter. Criteria: ICSL Variant Classification Criteria 13 December 2019. Collection method: clinical testing. Allele origin: germline.
Comment: This variant was observed in the ICSL laboratory as part of a predisposition screen in an ostensibly healthy population. It had not been previously curated by ICSL or reported in the Human Gene Mutation Database (HGMD: prior to June 1st, 2018), and was therefore a candidate for classification through an automated scoring system. Utilizing variant allele frequency, disease prevalence and penetrance estimates, and inheritance mode, an automated score was calculated to assess if this variant is too frequent to cause the disease. Based on the score and internal cut-off values, a variant classified as benign is not then subjected to further curation. The score for this variant resulted in a classification of benign for this disease.

NM_017649.5(CNNM2):c.411C>G (p.Gly137=)

Genes: CNNM2 (cyclin and CBS domain divalent metal cation transport mediator 2; plus strand), LOC130004628 (ATAC-STARR-seq lymphoblastoid silent region 2775; plus strand). Cytogenetic location: 10q24.32.
Variant type: single nucleotide variant.
Coding change: c.411C>G on transcript NM_017649.5 (MANE Select); coding-DNA position 411, C replaced by G.
Protein change: p.Gly137=; no amino-acid change (glycine 137 retained).
Molecular consequence: synonymous variant.
Genome position (GRCh38, 1-based): chr10:102,918,891, C>G. VCF-style: chr10-102918891-C-G. GRCh37 (hg19) VCF-style: chr10-104678648-C-G.
Other names: c.411C>G, p.Gly137= (NM_199076.3, NM_199077.3).
Identifiers: ClinVar variation 878023 (VCV000878023.6), dbSNP rs745992917, ClinGen allele CA5670264.
Genomic context (GRCh38, chr10:102,918,891, plus strand): 5'-CATCGCCTTCACCGAGCACGAGCGGCGGCGCCACAGCCCGGGGGAGCGCGGGCTGGGGGG[C>G]CCCGCGCCGCCAGAGCCGGACAGCGGCCCCCAGCGATGCGGCATCCGCACCTCAGACATC-3'
Protein context (NP_060119.3, residues 127-147): RHSPGERGLG[Gly137=]PAPPEPDSGP